The following is an entry in ClinVar:

NM_006231.4(POLE):c.4149+152C>T

Gene: POLE (DNA polymerase epsilon, catalytic subunit; minus strand). Cytogenetic location: 12q24.33.
Variant type: single nucleotide variant.
Coding change: c.4149+152C>T on transcript NM_006231.4 (MANE Select); 152 bases into the intron after coding-DNA position 4149, C replaced by T.
Molecular consequence: intron variant.
Genome position (GRCh38, 1-based): chr12:132,648,777, G>A on the plus strand (C>T on the coding strand, the complement: POLE is on the minus strand). VCF-style: chr12-132648777-G-A. GRCh37 (hg19) VCF-style: chr12-133225363-G-A.
Identifiers: ClinVar variation 679781 (VCV000679781.2), dbSNP rs5744905, ClinGen allele CA246307714.

ClinVar aggregate classification (germline): Benign. Review status: criteria provided, multiple submitters, no conflicts (2 of 4 stars). 2 submissions from 2 submitters: Benign (2). Last evaluated 2018-06-18.

Allele frequency attached by ClinVar (database versions not stated): gnomAD exomes 0.00238; gnomAD 0.01739 and 0.01866; 1000 Genomes Project 30x 0.01811; 1000 Genomes Project 0.01837; TOPMed 0.02001.
gnomAD v4.1: 4,218 of 788,294 alleles (0.54%); highest among the groups gnomAD compares: African/African-American, 5.8%; 101 homozygotes.

Submissions (2):

GeneDx
Classification: Benign. Last evaluated: 2018-06-18. Review status: criteria provided, single submitter. Criteria: GeneDx Variant Classification (06012015). Collection method: clinical testing. Allele origin: germline. Affected: yes.
Comment: This variant is considered likely benign or benign based on one or more of the following criteria: it is a conservative change, it occurs at a poorly conserved position in the protein, it is predicted to be benign by multiple in silico algorithms, and/or has population frequency not consistent with disease.

Breakthrough Genomics
Classification: Benign. Review status: criteria provided, single submitter. Criteria: ACMG Guidelines, 2015. Collection method: not provided. Allele origin: germline. Inheritance: Autosomal recessive inheritance. Affected: yes.